The following is an entry in ClinVar:

NM_015599.3(PGM3):c.414del (p.Gln138fs)

Gene: PGM3 (phosphoglucomutase 3; minus strand). Cytogenetic location: 6q14.1.
Variant type: Deletion.
Coding change: c.414del on transcript NM_015599.3 (MANE Select); coding-DNA position 414, one base deleted (A; older notation c.414delA).
Protein change: p.Gln138fs; shifts the reading frame from glutamine 138.
Molecular consequence: frameshift variant. On other transcripts: non-coding transcript variant (1).
Genome position (GRCh38, 1-based): chr6:83,187,051, T deleted on the plus strand (A on the coding strand, the reverse complement: PGM3 is on the minus strand); the first of 2 consecutive T bases (chr6:83,187,051-83,187,052); deleting either gives the same sequence. VCF-style (leftmost placement, unchanged base first): chr6-83187050-AT-A. GRCh37 (hg19) VCF-style: chr6-83896769-AT-A.
Other names: c.498del, p.Gln166fs (NM_001199917.2, NM_001367287.1); c.171del, p.Gln57fs (NM_001199918.2); c.414del, p.Gln138fs (NM_001199919.2, NM_001367286.1); short protein forms Q57fs, Q166fs, Q138fs.
Identifiers: ClinVar variation 3642021 (VCV003642021.2).

ClinVar aggregate classification (germline): Pathogenic (1 of 4 stars; one submission).

Conditions:
Immunodeficiency 23 (IMD23). Also called: IMMUNODEFICIENCY WITH HYPER IgE AND COGNITIVE IMPAIRMENT; IMMUNODEFICIENCY-VASCULITIS-MYOCLONUS SYNDROME. Identifiers: Orphanet 443811, MedGen C4014371, MONDO:0014353, OMIM 615816.

Submission:

Labcorp Genetics (formerly Invitae), Labcorp
Classification: Pathogenic for Immunodeficiency 23. Last evaluated: 2024-02-19. Review status: criteria provided, single submitter. Criteria: Invitae Variant Classification Sherloc (09022015). Collection method: clinical testing. Allele origin: germline.
Comment: This sequence change creates a premature translational stop signal (p.Gln166Hisfs*3) in the PGM3 gene. It is expected to result in an absent or disrupted protein product. Loss-of-function variants in PGM3 are known to be pathogenic (PMID: 17548465, 24589341, 24931394). This variant is not present in population databases (gnomAD no frequency). This variant has not been reported in the literature in individuals affected with PGM3-related conditions. Algorithms developed to predict the effect of sequence changes on RNA splicing suggest that this variant may disrupt the consensus splice site. For these reasons, this variant has been classified as Pathogenic.

Literature cited by the submitters: PubMed 17548465; PubMed 24589341; PubMed 24931394.